The following is an entry in ClinVar:

ClinVar aggregate classification (germline): Uncertain significance (1 of 4 stars; one submission).

Conditions:
Cortical dysplasia-focal epilepsy syndrome (PTHSL1). Also called: Pitt-Hopkins-like syndrome 1. Identifiers: Orphanet 163681, Orphanet 221150, MedGen C2750246, MONDO:0012400, OMIM 610042.

Allele frequency attached by ClinVar (database versions not stated): TOPMed below 0.00001; gnomAD 0.00001; gnomAD exomes 0.00002 and 0.00007; ExAC 0.00016.
gnomAD v4.1: 33 of 1,545,868 alleles (0.0021%); highest among the groups gnomAD compares: South Asian, 0.037%; no homozygotes.

Submission:

Labcorp Genetics (formerly Invitae), Labcorp
Classification: Uncertain significance for Cortical dysplasia-focal epilepsy syndrome. Last evaluated: 2021-08-30. Review status: criteria provided, single submitter. Criteria: Invitae Variant Classification Sherloc (09022015). Collection method: clinical testing. Allele origin: germline.
Comment: This sequence change replaces proline with leucine at codon 5 of the CNTNAP2 protein (p.Pro5Leu). The proline residue is weakly conserved and there is a moderate physicochemical difference between proline and leucine. While this variant is present in population databases (rs779710846), the frequency information is unreliable, as metrics indicate poor data quality at this position in the ExAC database. This variant has not been reported in the literature in individuals affected with CNTNAP2-related conditions. Algorithms developed to predict the effect of missense changes on protein structure and function output the following: SIFT: "Tolerated"; PolyPhen-2: "Benign"; Align-GVGD: "Class C0". The leucine amino acid residue is found in multiple mammalian species, which suggests that this missense change does not adversely affect protein function. In summary, the available evidence is currently insufficient to determine the role of this variant in disease. Therefore, it has been classified as a Variant of Uncertain Significance.

NM_014141.6(CNTNAP2):c.14C>T (p.Pro5Leu)

Gene: CNTNAP2 (contactin associated protein 2; plus strand). Cytogenetic location: 7q35.
Variant type: single nucleotide variant.
Coding change: c.14C>T on transcript NM_014141.6 (MANE Select); coding-DNA position 14, C replaced by T.
Protein change: p.Pro5Leu; replaces proline 5 with leucine.
Molecular consequence: missense variant.
Genome position (GRCh38, 1-based): chr7:146,116,890, C>T. VCF-style: chr7-146116890-C-T. GRCh37 (hg19) VCF-style: chr7-145813982-C-T.
Other names: short protein forms P5L.
Identifiers: ClinVar variation 1408664 (VCV001408664.5), dbSNP rs779710846, ClinGen allele CA4545681.